The following is an entry in ClinVar:

NM_022436.3(ABCG5):c.1650-4T>C

Genes: ABCG5 (ATP binding cassette subfamily G member 5; minus strand), DYNC2LI1 (dynein cytoplasmic 2 light intermediate chain 1; plus strand). Cytogenetic location: 2p21.
Variant type: single nucleotide variant.
Coding change: c.1650-4T>C on transcript NM_022436.3 (MANE Select); 4 bases into the intron before coding-DNA position 1650, T replaced by C.
Molecular consequence: intron variant.
Genome position (GRCh38, 1-based): chr2:43,814,593, A>G on the plus strand (T>C on the coding strand, the complement: ABCG5 is on the minus strand). VCF-style: chr2-43814593-A-G. GRCh37 (hg19) VCF-style: chr2-44041732-A-G.
Other names: c.*15+4069A>G (NM_001348913.2, NM_001348912.2).
Identifiers: ClinVar variation 3346611 (VCV003346611.1).

ClinVar aggregate classification (germline): Likely benign (0 of 4 stars; one submission).

Conditions:
ABCG5-related disorder. Also called: ABCG5-related condition.

Submission:

PreventionGenetics, part of Exact Sciences
Classification: Likely benign for ABCG5-related condition. Last evaluated: 2024-05-08. Review status: no assertion criteria provided. Collection method: clinical testing. Allele origin: germline.
Comment: This variant is classified as likely benign based on ACMG/AMP sequence variant interpretation guidelines (Richards et al. 2015 PMID: 25741868, with internal and published modifications).